The following is an entry in ClinVar:

NM_001099289.3(SH3RF3):c.2287G>A (p.Glu763Lys)

Genes: RANBP2 (RAN binding protein 2; plus strand), SH3RF3 (SH3 domain containing ring finger 3; plus strand). Cytogenetic location: 2q13.
Variant type: single nucleotide variant.
Coding change: c.2287G>A on transcript NM_001099289.3 (MANE Select); coding-DNA position 2287, G replaced by A.
Protein change: p.Glu763Lys; replaces glutamic acid 763 with lysine.
Molecular consequence: missense variant.
Genome position (GRCh38, 1-based): chr2:109,490,743, G>A. VCF-style: chr2-109490743-G-A. GRCh37 (hg19) VCF-style: chr2-110107199-G-A.
Other names: short protein forms E763K.
Identifiers: ClinVar variation 2408864 (VCV002408864.2), dbSNP rs765405754, ClinGen allele CA1825867.

ClinVar aggregate classification (germline): Uncertain significance (1 of 4 stars; one submission).

Allele frequency attached by ClinVar (database versions not stated): ExAC 0.00012.
gnomAD v4.1: 63 of 1,536,230 alleles (0.0041%); highest among the groups gnomAD compares: East Asian, 0.012%; no homozygotes.

Submission:

Ambry Genetics
Classification: Uncertain significance. Last evaluated: 2021-12-17. Review status: criteria provided, single submitter. Criteria: Ambry Variant Classification Scheme 2023. Collection method: clinical testing. Allele origin: germline.
Comment: The c.2287G>A (p.E763K) alteration is located in exon (coding exon ) of the SH3RF3 gene. This alteration results from a G to A substitution at nucleotide position 2287, causing the glutamic acid (E) at amino acid position 763 to be replaced by a lysine (K). Based on insufficient or conflicting evidence, the clinical significance of this alteration remains unclear.